The following is an entry in ClinVar:

ClinVar aggregate classification (germline): Likely benign. Review status: criteria provided, multiple submitters, no conflicts (2 of 4 stars). 4 submissions from 4 submitters: Likely benign (4). Last evaluated 2026-02-17.

Allele frequency attached by ClinVar (database versions not stated): TOPMed 0.00004; ExAC 0.00008; gnomAD 0.00012; gnomAD exomes 0.00015.
gnomAD v4.1: 237 of 1,610,002 alleles (0.015%); highest among the groups gnomAD compares: Middle Eastern, 0.033%; no homozygotes.

Submissions (4):

Women's Health and Genetics/Laboratory Corporation of America, LabCorp
Classification: Likely benign. Last evaluated: 2026-02-17. Review status: criteria provided, single submitter. Criteria: LabCorp Variant Classification Summary - May 2015. Collection method: clinical testing. Allele origin: germline.

CeGaT Center for Human Genetics Tuebingen
Classification: Likely benign. Last evaluated: 2026-01-01. Review status: criteria provided, single submitter. Criteria: CeGaT Center For Human Genetics Tuebingen Variant Classification Criteria Version 2. Collection method: clinical testing. Allele origin: germline. Affected: yes. Observed: 2 variant alleles.
Comment: CACNA1G: BP4, BP7

Labcorp Genetics (formerly Invitae), Labcorp
Classification: Likely benign. Last evaluated: 2025-12-19. Review status: criteria provided, single submitter. Criteria: Invitae Variant Classification Sherloc (09022015). Collection method: clinical testing. Allele origin: germline.

Blueprint Genetics
Classification: Likely benign. Last evaluated: 2024-11-11. Review status: criteria provided, single submitter. Criteria: ACMG Guidelines, 2015. Collection method: clinical testing. Allele origin: germline.

NM_018896.5(CACNA1G):c.861G>A (p.Thr287=)

Gene: CACNA1G (calcium voltage-gated channel subunit alpha1 G; plus strand). Cytogenetic location: 17q21.33.
Variant type: single nucleotide variant.
Coding change: c.861G>A on transcript NM_018896.5 (MANE Select); coding-DNA position 861, G replaced by A.
Protein change: p.Thr287=; no amino-acid change (threonine 287 retained).
Molecular consequence: synonymous variant. On other transcripts: non-coding transcript variant (5).
Genome position (GRCh38, 1-based): chr17:50,572,668, G>A. VCF-style: chr17-50572668-G-A. GRCh37 (hg19) VCF-style: chr17-48650029-G-A.
Other names: c.861G>A, p.Thr287= (NM_001256324.2, NM_001256325.2, NM_001256326.2 and 24 more transcripts).
Identifiers: ClinVar variation 2190422 (VCV002190422.31), dbSNP rs773205223, ClinGen allele CA8652049.